The following is an entry in ClinVar:

ClinVar aggregate classification (germline): Uncertain significance. Review status: criteria provided, multiple submitters, no conflicts (2 of 4 stars). 3 submissions from 3 submitters: Uncertain significance (2). 1 of the submissions does not count toward it. Last evaluated 2026-06-15.

Conditions:
Ehlers-Danlos syndrome, dermatosparaxis type. Also called: Ehlers-Danlos syndrome, type VII, autosomal recessive; Dermatosparaxis; EDS VIIC. Identifiers: Orphanet 1901, MedGen C2700425, MONDO:0009161, OMIM 225410.

Allele frequency attached by ClinVar (database versions not stated): gnomAD exomes 0.00001 and 0.00002; TOPMed 0.00001; ExAC 0.00003.
gnomAD v4.1: 19 of 1,613,594 alleles (0.0012%); highest among the groups gnomAD compares: South Asian, 0.0022%; no homozygotes.

Submissions (3):

Women's Health and Genetics/Laboratory Corporation of America, LabCorp
Classification: Uncertain significance. Last evaluated: 2026-06-15. Review status: criteria provided, single submitter. Criteria: LabCorp Variant Classification Summary - May 2015. Collection method: clinical testing. Allele origin: germline.

Labcorp Genetics (formerly Invitae), Labcorp
Classification: Uncertain significance for Ehlers-Danlos syndrome, dermatosparaxis type. Last evaluated: 2022-03-18. Review status: criteria provided, single submitter. Criteria: Invitae Variant Classification Sherloc (09022015). Collection method: clinical testing. Allele origin: germline.
Comment: This sequence change replaces proline, which is neutral and non-polar, with leucine, which is neutral and non-polar, at codon 388 of the ADAMTS2 protein (p.Pro388Leu). This variant is present in population databases (rs762460815, gnomAD 0.003%). This variant has not been reported in the literature in individuals affected with ADAMTS2-related conditions. ClinVar contains an entry for this variant (Variation ID: 663937). Algorithms developed to predict the effect of missense changes on protein structure and function (SIFT, PolyPhen-2, Align-GVGD) all suggest that this variant is likely to be disruptive. In summary, the available evidence is currently insufficient to determine the role of this variant in disease. Therefore, it has been classified as a Variant of Uncertain Significance.

Natera, Inc.
Classification: Uncertain significance for Ehlers-Danlos syndrome type VIIC. Last evaluated: 2020-09-16. Review status: no assertion criteria provided. Collection method: clinical testing. Allele origin: germline. Not counted in ClinVar's aggregate classification.

NM_014244.5(ADAMTS2):c.1163C>T (p.Pro388Leu)

Gene: ADAMTS2 (ADAM metallopeptidase with thrombospondin type 1 motif 2; minus strand). Cytogenetic location: 5q35.3.
Variant type: single nucleotide variant.
Coding change: c.1163C>T on transcript NM_014244.5 (MANE Select); coding-DNA position 1163, C replaced by T.
Protein change: p.Pro388Leu; replaces proline 388 with leucine.
Molecular consequence: missense variant.
Genome position (GRCh38, 1-based): chr5:179,154,889, G>A on the plus strand (C>T on the coding strand, the complement: ADAMTS2 is on the minus strand). VCF-style: chr5-179154889-G-A. GRCh37 (hg19) VCF-style: chr5-178581890-G-A.
Other names: c.1163C>T, p.Pro388Leu (NM_021599.4); short protein forms P388L.
Identifiers: ClinVar variation 663937 (VCV000663937.8), dbSNP rs762460815, ClinGen allele CA3596016.